The following is an entry in ClinVar:

ClinVar aggregate classification (germline): Benign. Review status: criteria provided, multiple submitters, no conflicts (2 of 4 stars). 9 submissions from 9 submitters: Benign (5). 4 of the submissions do not count toward it. Last evaluated 2026-01-12.

Conditions:
Frontotemporal dementia (FTD1). Also called: Frontotemporal Dementia with Parkinsonism-17 (FTDP-17); FRONTOTEMPORAL DEMENTIA WITH PARKINSONISM; FRONTOTEMPORAL LOBE DEMENTIA; MULTIPLE SYSTEM TAUOPATHY WITH PRESENILE DEMENTIA; Dementia, frontotemporal, with or without parkinsonism; WILHELMSEN-LYNCH DISEASE. Identifiers: Orphanet 282, MedGen C0338451, MONDO:0017276, OMIM 600274, HP:0002145.

Allele frequency attached by ClinVar (database versions not stated): 1000 Genomes Project 30x 0.08682; 1000 Genomes Project 0.08766; gnomAD 0.14362 and 0.14666; ExAC 0.14485; gnomAD exomes 0.14570 and 0.19429; TOPMed 0.15022; ESP Exome Variant Server 0.16469.
gnomAD v4.1: 305,028 of 1,613,906 alleles (19%); highest among the groups gnomAD compares: Non-Finnish European, 22%; 32,818 homozygotes.

Submissions (9):

Labcorp Genetics (formerly Invitae), Labcorp
Classification: Benign for Frontotemporal dementia. Last evaluated: 2026-01-12. Review status: criteria provided, single submitter. Criteria: Invitae Variant Classification Sherloc (09022015). Collection method: clinical testing. Allele origin: germline.

Mendelics
Classification: Benign for Frontotemporal dementia. Last evaluated: 2019-05-28. Review status: criteria provided, single submitter. Criteria: Mendelics Assertion Criteria 2017. Collection method: clinical testing. Allele origin: unknown.

GeneDx
Classification: Benign. Last evaluated: 2018-08-11. Review status: criteria provided, single submitter. Criteria: GeneDx Variant Classification Process June 2021. Collection method: clinical testing. Allele origin: germline. Affected: yes.
Comment: This variant is associated with the following publications: (PMID: 30389748, 23222517)

Breakthrough Genomics
Classification: Benign. Review status: criteria provided, single submitter. Criteria: ACMG Guidelines, 2015. Collection method: not provided. Allele origin: germline. Inheritance: Autosomal recessive inheritance. Affected: yes.

PreventionGenetics, part of Exact Sciences
Classification: Benign. Review status: criteria provided, single submitter. Criteria: ACMG Guidelines, 2015. Collection method: clinical testing. Allele origin: germline.

Clinical Genetics, Academic Medical Center
Classification: Benign. Review status: no assertion criteria provided. Collection method: clinical testing. Allele origin: germline. Affected: yes. Study: VKGL Data-share Consensus. Not counted in ClinVar's aggregate classification.

Genome Diagnostics Laboratory, Amsterdam University Medical Center
Classification: Benign. Review status: no assertion criteria provided. Collection method: clinical testing. Allele origin: germline. Affected: yes. Study: VKGL Data-share Consensus. Not counted in ClinVar's aggregate classification.

Joint Genome Diagnostic Labs from Nijmegen and Maastricht, Radboudumc and MUMC+
Classification: Benign. Review status: no assertion criteria provided. Collection method: clinical testing. Allele origin: germline. Affected: yes. Study: VKGL Data-share Consensus. Not counted in ClinVar's aggregate classification.

VIB  Department of Molecular Genetics, University of Antwerp
No classification provided. Review status: no classification provided. Collection method: not provided. Allele origin: not provided. Not counted in ClinVar's aggregate classification.

NM_001377265.1(MAPT):c.1564T>C (p.Ser522Pro)

Gene: MAPT (microtubule associated protein tau). Cytogenetic location: 17q21.31.
Variant type: single nucleotide variant.
Coding change: c.1564T>C on transcript NM_001377265.1 (MANE Select); coding-DNA position 1564, T replaced by C.
Protein change: p.Ser522Pro; replaces serine 522 with proline.
Molecular consequence: missense variant. On other transcripts: intron variant (9).
Genome position (GRCh38, 1-based): chr17:45,990,034, T>C. VCF-style: chr17-45990034-T-C. GRCh37 (hg19) VCF-style: chr17-44067400-T-C.
Other names: c.1339T>C, p.Ser447Pro (NM_001123066.4, NM_016835.5); c.256-1426T>C (NM_001377268.1, NM_016834.5, NM_016841.5); c.430-1426T>C (NM_005910.6, NM_001203252.2); c.1408-1426T>C (NM_001377266.1); c.343-1426T>C (NM_001123067.4, NM_001203251.2, NM_001377267.1); short protein forms S447P, S522P.
Identifiers: ClinVar variation 98203 (VCV000098203.16), dbSNP rs10445337, ClinGen allele CA225399.